The following is an entry in ClinVar:

NM_001378454.1(ALMS1):c.1705A>G (p.Thr569Ala)

Gene: ALMS1 (ALMS1 centrosome and basal body associated protein; plus strand). Cytogenetic location: 2p13.1.
Variant type: single nucleotide variant.
Coding change: c.1705A>G on transcript NM_001378454.1 (MANE Select); coding-DNA position 1705, A replaced by G.
Protein change: p.Thr569Ala; replaces threonine 569 with alanine.
Molecular consequence: missense variant.
Genome position (GRCh38, 1-based): chr2:73,448,232, A>G. VCF-style: chr2-73448232-A-G. GRCh37 (hg19) VCF-style: chr2-73675359-A-G.
Other names: c.1708A>G, p.Thr570Ala (NM_015120.4); short protein forms T570A, T569A.
Identifiers: ClinVar variation 1472603 (VCV001472603.7), dbSNP rs1671846580, ClinGen allele CA347265178.
Genomic context (GRCh38, chr2:73,448,232, plus strand): 5'-GAAGAGACTCTGAAAGTCACAGCTATTCCTGAACCAGCTGACCAGAAGACTGCAACACCA[A>G]CAGTACTCTCTAGTTCCCACTCACATAGGGGGAAGCCCAGCATTTTCTACCAGCAGGGCT-3'
Protein context (NP_001365383.1, residues 559-579): EPADQKTATP[Thr569Ala]VLSSSHSHRG

ClinVar aggregate classification (germline): Conflicting classifications of pathogenicity. Review status: criteria provided, conflicting classifications (1 of 4 stars). 2 submissions from 2 submitters: Uncertain significance (1); Likely benign (1). Last evaluated 2025-07-21.

Conditions:
Cardiovascular phenotype. Identifiers: MedGen CN230736.
Alstrom syndrome (ALMS). Identifiers: Orphanet 64, MedGen C0268425, MONDO:0008763, OMIM 203800.

Allele frequency attached by ClinVar (database versions not stated): gnomAD exomes 0.00001.
gnomAD v4.1: 12 of 1,613,966 alleles (0.00074%); highest among the groups gnomAD compares: Non-Finnish European, 0.001%; no homozygotes.

Submissions (2):

Ambry Genetics
Classification: Likely benign for Cardiovascular phenotype. Last evaluated: 2025-07-21. Review status: criteria provided, single submitter. Criteria: Ambry Variant Classification Scheme 2023. Collection method: clinical testing. Allele origin: germline.

Labcorp Genetics (formerly Invitae), Labcorp
Classification: Uncertain significance for Alstrom syndrome. Last evaluated: 2021-03-25. Review status: criteria provided, single submitter. Criteria: Invitae Variant Classification Sherloc (09022015). Collection method: clinical testing. Allele origin: germline.
Comment: In summary, the available evidence is currently insufficient to determine the role of this variant in disease. Therefore, it has been classified as a Variant of Uncertain Significance. Experimental studies and prediction algorithms are not available or were not evaluated, and the functional significance of this variant is currently unknown. This variant has not been reported in the literature in individuals with ALMS1-related conditions. This variant is not present in population databases (ExAC no frequency). This sequence change replaces threonine with alanine at codon 570 of the ALMS1 protein (p.Thr570Ala). The threonine residue is weakly conserved and there is a small physicochemical difference between threonine and alanine.